The following is an entry in ClinVar:

NM_001365276.2(TNXB):c.7958G>A (p.Gly2653Asp)

Gene: TNXB (tenascin XB; minus strand). Cytogenetic location: 6p21.33.
Variant type: single nucleotide variant.
Coding change: c.7958G>A on transcript NM_001365276.2 (MANE Select); coding-DNA position 7958, G replaced by A.
Protein change: p.Gly2653Asp; replaces glycine 2653 with aspartic acid.
Molecular consequence: missense variant.
Genome position (GRCh38, 1-based): chr6:32,056,771, C>T on the plus strand (G>A on the coding strand, the complement: TNXB is on the minus strand). VCF-style: chr6-32056771-C-T. GRCh37 (hg19) VCF-style: chr6-32024548-C-T.
Other names: c.8699G>A, p.Gly2900Asp (NM_001428335.1); c.7958G>A, p.Gly2653Asp (NM_019105.8); short protein forms G2653D, G2900D.
Identifiers: ClinVar variation 3227329 (VCV003227329.1), dbSNP rs1777680571, ClinGen allele CA363550232.

ClinVar aggregate classification (germline): Uncertain significance (1 of 4 stars; one submission).

Conditions:
Cardiovascular phenotype. Identifiers: MedGen CN230736.

Allele frequency attached by ClinVar (database versions not stated): gnomAD exomes below 0.00001; TOPMed below 0.00001; gnomAD 0.00001.
gnomAD v4.1: 4 of 1,613,220 alleles (0.00025%); highest among the groups gnomAD compares: Non-Finnish European, 0.00034%; no homozygotes.

Submission:

Ambry Genetics
Classification: Uncertain significance for Cardiovascular phenotype. Last evaluated: 2023-11-09. Review status: criteria provided, single submitter. Criteria: Ambry Variant Classification Scheme 2023. Collection method: clinical testing. Allele origin: germline.
Comment: The p.G2653D variant (also known as c.7958G>A), located in coding exon 22 of the TNXB gene, results from a G to A substitution at nucleotide position 7958. The glycine at codon 2653 is replaced by aspartic acid, an amino acid with similar properties. This amino acid position is conserved. In addition, this alteration is predicted to be tolerated by in silico analysis. Since supporting evidence is limited at this time, the clinical significance of this alteration remains unclear.